The following is an entry in ClinVar:

ClinVar aggregate classification (germline): Uncertain significance (1 of 4 stars; one submission).

Conditions:
Hypohidrotic X-linked ectodermal dysplasia (XHED). Also called: Anhidrotic ectodermal dysplasia X-linked; Christ Siemens Touraine syndrome; ECTODERMAL DYSPLASIA 1, HYPOHIDROTIC, X-LINKED; Christ-Siemans-Touraine syndrome; ECTODERMAL DYSPLASIA 1; ECTODERMAL DYSPLASIA 1, HYPOHIDROTIC/HAIR/TOOTH TYPE, X-LINKED. Identifiers: Orphanet 181, Orphanet 238468, MedGen C0162359, MONDO:0010585, OMIM 305100.

Submission:

Labcorp Genetics (formerly Invitae), Labcorp
Classification: Uncertain significance for Hypohidrotic X-linked ectodermal dysplasia. Last evaluated: 2018-09-24. Review status: criteria provided, single submitter. Criteria: Invitae Variant Classification Sherloc (09022015). Collection method: clinical testing. Allele origin: germline.
Comment: This sequence change replaces glycine with arginine at codon 210 of the EDA protein (p.Gly210Arg). The glycine residue is highly conserved and there is a moderate physicochemical difference between glycine and arginine. This variant is not present in population databases (ExAC no frequency). This variant has not been reported in the literature in individuals with EDA-related disease. In summary, the available evidence is currently insufficient to determine the role of this variant in disease. Therefore, it has been classified as a Variant of Uncertain Significance.

NM_001399.5(EDA):c.628G>C (p.Gly210Arg)

Gene: EDA (ectodysplasin A; plus strand). Cytogenetic location: Xq13.1.
Variant type: single nucleotide variant.
Coding change: c.628G>C on transcript NM_001399.5 (MANE Select); coding-DNA position 628, G replaced by C.
Protein change: p.Gly210Arg; replaces glycine 210 with arginine.
Molecular consequence: missense variant.
Genome position (GRCh38, 1-based): chrX:70,027,958, G>C. VCF-style: chrX-70027958-G-C. GRCh37 (hg19) VCF-style: chrX-69247808-G-C.
Other names: c.628G>C, p.Gly210Arg (NM_001005609.2, NM_001005612.3); short protein forms G210R.
Identifiers: ClinVar variation 653747 (VCV000653747.8), dbSNP rs1556098733, ClinGen allele CA413448379.